The following is an entry in ClinVar:

ClinVar aggregate classification (germline): Uncertain significance. Review status: criteria provided, multiple submitters, no conflicts (2 of 4 stars). 3 submissions from 3 submitters: Uncertain significance (3). Last evaluated 2026-08-03.

Conditions:
Inborn genetic diseases. Identifiers: MedGen C0950123, MeSH D030342.
MYO18B-related disorder. Also called: MYO18B-related condition.

Allele frequency attached by ClinVar (database versions not stated): gnomAD 0.00012 and 0.00015; TOPMed 0.00012; gnomAD exomes 0.00002 and 0.00004; ExAC 0.00004; ESP Exome Variant Server 0.00008.
gnomAD v4.1: 74 of 1,612,618 alleles (0.0046%); highest among the groups gnomAD compares: African/African-American, 0.035%; no homozygotes.

Submissions (3):

Ambry Genetics
Classification: Uncertain significance for Inborn genetic diseases. Last evaluated: 2026-08-03. Review status: criteria provided, single submitter. Criteria: Ambry Variant Classification Scheme 2023. Collection method: clinical testing. Allele origin: germline.
Comment: The c.4549G>A (p.E1517K) alteration is located in exon 28 (coding exon 27) of the MYO18B gene. This alteration results from a G to A substitution at nucleotide position 4549, causing the glutamic acid (E) at amino acid position 1517 to be replaced by a lysine (K). Based on data from gnomAD, the A allele has an overall frequency of 0.003% (7/278434) total alleles studied. The highest observed frequency was 0.025% (6/24126) of African alleles. Based on insufficient or conflicting evidence, the clinical significance of this alteration remains unclear.

Labcorp Genetics (formerly Invitae), Labcorp
Classification: Uncertain significance. Last evaluated: 2025-11-21. Review status: criteria provided, single submitter. Criteria: Invitae Variant Classification Sherloc (09022015). Collection method: clinical testing. Allele origin: germline.
Comment: This sequence change replaces glutamic acid, which is acidic and polar, with lysine, which is basic and polar, at codon 1517 of the MYO18B protein (p.Glu1517Lys). This variant is present in population databases (rs370120344, gnomAD 0.03%). This variant has not been reported in the literature in individuals affected with MYO18B-related conditions. ClinVar contains an entry for this variant (Variation ID: 1359191). An algorithm developed to predict the effect of missense changes on protein structure and function (PolyPhen-2) suggests that this variant is likely to be disruptive. In summary, the available evidence is currently insufficient to determine the role of this variant in disease. Therefore, it has been classified as a Variant of Uncertain Significance.

PreventionGenetics, part of Exact Sciences
Classification: Uncertain significance for MYO18B-related condition. Last evaluated: 2025-06-09. Review status: criteria provided, single submitter. Criteria: ACMG Guidelines, 2015. Collection method: clinical testing. Allele origin: germline.
Comment: The MYO18B c.4549G>A variant is predicted to result in the amino acid substitution p.Glu1517Lys. To our knowledge, this variant has not been reported in the literature. This variant is reported in 0.025% of alleles in individuals of African descent in gnomAD. At this time, the clinical significance of this variant is uncertain due to the absence of conclusive functional and genetic evidence.

NM_032608.7(MYO18B):c.4549G>A (p.Glu1517Lys)

Genes: MYO18B (myosin XVIIIB; plus strand), MYO18B-AS1 (MYO18B antisense RNA 1; minus strand). Cytogenetic location: 22q12.1.
Variant type: single nucleotide variant.
Coding change: c.4549G>A on transcript NM_032608.7 (MANE Select); coding-DNA position 4549, G replaced by A.
Protein change: p.Glu1517Lys; replaces glutamic acid 1517 with lysine.
Molecular consequence: missense variant.
Genome position (GRCh38, 1-based): chr22:25,895,161, G>A. VCF-style: chr22-25895161-G-A. GRCh37 (hg19) VCF-style: chr22-26291128-G-A.
Other names: c.4552G>A, p.Glu1518Lys (NM_001318245.2); c.4549G>A (NM_032608.5, NM_032608.6); short protein forms E1517K, E1518K.
Identifiers: ClinVar variation 1359191 (VCV001359191.10), dbSNP rs370120344, ClinGen allele CA10160916.
Genomic context (GRCh38, chr22:25,895,161, plus strand): 5'-CTTGCCTTACACTCATTTGGCCTCTTATCCTGGTCTCCCTGACTCCGTTAAACAGCAGAC[G>A]AGTGGCAGATGCGCTTCGACTGTGCTCAGATGGAGAACGAGTTCCTCAGAAAGCGTCTGC-3'
Protein context (NP_115997.5, residues 1507-1527): LERNPTGGAD[Glu1517Lys]WQMRFDCAQM